The following is an entry in ClinVar:

ClinVar aggregate classification (germline): Uncertain significance. Review status: criteria provided, multiple submitters, no conflicts (2 of 4 stars). 2 submissions from 2 submitters: Uncertain significance (2). Last evaluated 2025-08-05.

Conditions:
Inborn genetic diseases. Identifiers: MedGen C0950123, MeSH D030342.

Allele frequency attached by ClinVar (database versions not stated): ExAC 0.00002; gnomAD 0.00002; TOPMed 0.00002.
gnomAD v4.1: 22 of 1,612,710 alleles (0.0014%); highest among the groups gnomAD compares: Non-Finnish European, 0.0014%; no homozygotes.

Submissions (2):

Ambry Genetics
Classification: Uncertain significance for Inborn genetic diseases. Last evaluated: 2025-08-05. Review status: criteria provided, single submitter. Criteria: Ambry Variant Classification Scheme 2023. Collection method: clinical testing. Allele origin: germline.

Labcorp Genetics (formerly Invitae), Labcorp
Classification: Uncertain significance. Last evaluated: 2025-02-19. Review status: criteria provided, single submitter. Criteria: Invitae Variant Classification Sherloc (09022015). Collection method: clinical testing. Allele origin: germline.
Comment: This sequence change replaces proline, which is neutral and non-polar, with leucine, which is neutral and non-polar, at codon 940 of the POLR1A protein (p.Pro940Leu). This variant is present in population databases (rs777028694, gnomAD 0.007%). This variant has not been reported in the literature in individuals affected with POLR1A-related conditions. ClinVar contains an entry for this variant (Variation ID: 1959729). Invitae Evidence Modeling of protein sequence and biophysical properties (such as structural, functional, and spatial information, amino acid conservation, physicochemical variation, residue mobility, and thermodynamic stability) indicates that this missense variant is expected to disrupt POLR1A protein function with a positive predictive value of 80%. In summary, the available evidence is currently insufficient to determine the role of this variant in disease. Therefore, it has been classified as a Variant of Uncertain Significance.

NM_015425.6(POLR1A):c.2819C>T (p.Pro940Leu)

Genes: POLR1A (RNA polymerase I subunit A; minus strand), LOC126806263 (BRD4-independent group 4 enhancer GRCh37_chr2:86272354-86273553; plus strand). Cytogenetic location: 2p11.2.
Variant type: single nucleotide variant.
Coding change: c.2819C>T on transcript NM_015425.6 (MANE Select); coding-DNA position 2819, C replaced by T.
Protein change: p.Pro940Leu; replaces proline 940 with leucine.
Molecular consequence: missense variant.
Genome position (GRCh38, 1-based): chr2:86,045,684, G>A on the plus strand (C>T on the coding strand, the complement: POLR1A is on the minus strand). VCF-style: chr2-86045684-G-A. GRCh37 (hg19) VCF-style: chr2-86272807-G-A.
Other names: short protein forms P940L.
Identifiers: ClinVar variation 1959729 (VCV001959729.7), dbSNP rs777028694, ClinGen allele CA1745947.